The following is an entry in ClinVar:

ClinVar aggregate classification (germline): Uncertain significance (1 of 4 stars; one submission).

Conditions:
Gastrointestinal stromal tumor. Also called: Gastrointestinal stroma tumor; Gastrointestinal stromal tumor, somatic. Identifiers: Orphanet 44890, MedGen C0238198, MeSH D046152, MONDO:0011719, OMIM 606764, HP:0100723.

Submission:

Labcorp Genetics (formerly Invitae), Labcorp
Classification: Uncertain significance for Gastrointestinal stromal tumor. Last evaluated: 2021-09-24. Review status: criteria provided, single submitter. Criteria: Invitae Variant Classification Sherloc (09022015). Collection method: clinical testing. Allele origin: germline.
Comment: In summary, the available evidence is currently insufficient to determine the role of this variant in disease. Therefore, it has been classified as a Variant of Uncertain Significance. Algorithms developed to predict the effect of missense changes on protein structure and function are either unavailable or do not agree on the potential impact of this missense change (SIFT: "Tolerated"; PolyPhen-2: "Possibly Damaging"; Align-GVGD: "Class C0"). This variant has not been reported in the literature in individuals affected with PDGFRA-related conditions. This variant is not present in population databases (ExAC no frequency). This sequence change replaces phenylalanine with leucine at codon 1059 of the PDGFRA protein (p.Phe1059Leu). The phenylalanine residue is moderately conserved and there is a small physicochemical difference between phenylalanine and leucine.

NM_006206.6(PDGFRA):c.3177C>A (p.Phe1059Leu)

Gene: PDGFRA (platelet derived growth factor receptor alpha; plus strand). Cytogenetic location: 4q12.
Variant type: single nucleotide variant.
Coding change: c.3177C>A on transcript NM_006206.6 (MANE Select); coding-DNA position 3177, C replaced by A.
Protein change: p.Phe1059Leu; replaces phenylalanine 1059 with leucine.
Molecular consequence: missense variant.
Genome position (GRCh38, 1-based): chr4:54,295,179, C>A. VCF-style: chr4-54295179-C-A. GRCh37 (hg19) VCF-style: chr4-55161346-C-A.
Other names: c.3177C>A, p.Phe1059Leu (NM_001347829.2); c.3216C>A, p.Phe1072Leu (NM_001347830.2); c.3252C>A, p.Phe1084Leu (NM_001347828.2); short protein forms F1084L, F1059L, F1072L.
Identifiers: ClinVar variation 1477103 (VCV001477103.6), dbSNP rs995196679, ClinGen allele CA356896559.